The following is an entry in ClinVar:

ClinVar aggregate classification (germline): Uncertain significance (1 of 4 stars; one submission).

Submission:

GeneDx
Classification: Uncertain significance. Last evaluated: 2025-05-08. Review status: criteria provided, single submitter. Criteria: GeneDx Variant Classification Process June 2021. Collection method: clinical testing. Allele origin: germline. Affected: yes.
Comment: Not observed at significant frequency in large population cohorts (gnomAD); In silico analysis suggests that this missense variant does not alter protein structure/function; Has not been previously published as pathogenic or benign to our knowledge

NM_001348323.3(TRIP12):c.2704G>A (p.Asp902Asn)

Gene: TRIP12 (thyroid hormone receptor interactor 12; minus strand). Cytogenetic location: 2q36.3.
Variant type: single nucleotide variant.
Coding change: c.2704G>A on transcript NM_001348323.3 (MANE Select); coding-DNA position 2704, G replaced by A.
Protein change: p.Asp902Asn; replaces aspartic acid 902 with asparagine.
Molecular consequence: missense variant.
Genome position (GRCh38, 1-based): chr2:229,804,174, C>T on the plus strand (G>A on the coding strand, the complement: TRIP12 is on the minus strand). VCF-style: chr2-229804174-C-T. GRCh37 (hg19) VCF-style: chr2-230668890-C-T.
Other names: c.2623G>A, p.Asp875Asn (NM_001284214.2, NM_001348315.2); c.2578G>A, p.Asp860Asn (NM_001284215.2, NM_001348316.2, NM_001348317.1 and 1 more transcripts); c.1669G>A, p.Asp557Asn (NM_001284216.2); c.2704G>A, p.Asp902Asn (NM_001348319.1, NM_001348320.2, NM_001348322.1 and 4 more transcripts); c.2707G>A, p.Asp903Asn (NM_001348321.1, NM_001348328.1, NM_001348329.2 and 1 more transcripts); c.2497G>A, p.Asp833Asn (NM_001348331.1); c.2617G>A, p.Asp873Asn (NM_001348332.1); c.2626G>A, p.Asp876Asn (NM_001348333.1); and 1 more; short protein forms D557N, D827N, D833N, D860N, D873N, D875N, D876N, D902N.
Identifiers: ClinVar variation 4527936 (VCV004527936.1).